The following is an entry in ClinVar:

NM_001089.3(ABCA3):c.3902dup (p.Val1303fs)

Gene: ABCA3 (ATP binding cassette subfamily A member 3; minus strand). Cytogenetic location: 16p13.3.
Variant type: Duplication.
Coding change: c.3902dup on transcript NM_001089.3 (MANE Select); coding-DNA position 3902, one base duplicated (C; older notation c.3902dupC).
Protein change: p.Val1303fs; shifts the reading frame from valine 1303.
Molecular consequence: frameshift variant.
Genome position (GRCh38, 1-based): chr16:2,283,319, G duplicated on the plus strand (C on the coding strand, the reverse complement: ABCA3 is on the minus strand); the first of 4 consecutive G bases (chr16:2,283,319-2,283,322); duplicating any one gives the same sequence. VCF-style (leftmost placement, unchanged base first): chr16-2283318-C-CG. GRCh37 (hg19) VCF-style: chr16-2333319-C-CG.
Other names: short protein forms V1303fs.
Identifiers: ClinVar variation 1736036 (VCV001736036.4), dbSNP rs2505619224, ClinGen allele CA2580090988.

ClinVar aggregate classification (germline): Pathogenic. Review status: criteria provided, multiple submitters, no conflicts (2 of 4 stars). 2 submissions from 2 submitters: Pathogenic (2). Last evaluated 2024-03-14.

Conditions:
Hereditary pulmonary alveolar proteinosis. Also called: Pulmonary surfactant metabolism dysfunction. Identifiers: Orphanet 264675, MedGen C3711368, MONDO:0012580.

Submissions (2):

Labcorp Genetics (formerly Invitae), Labcorp
Classification: Pathogenic. Last evaluated: 2024-03-14. Review status: criteria provided, single submitter. Criteria: Invitae Variant Classification Sherloc (09022015). Collection method: clinical testing. Allele origin: germline.
Comment: This sequence change creates a premature translational stop signal (p.Val1303Glyfs*55) in the ABCA3 gene. It is expected to result in an absent or disrupted protein product. Loss-of-function variants in ABCA3 are known to be pathogenic (PMID: 27516224). This variant is not present in population databases (gnomAD no frequency). This variant has not been reported in the literature in individuals affected with ABCA3-related conditions. ClinVar contains an entry for this variant (Variation ID: 1736036). For these reasons, this variant has been classified as Pathogenic.

Ambry Genetics
Classification: Pathogenic for Hereditary pulmonary alveolar proteinosis. Last evaluated: 2018-10-09. Review status: criteria provided, single submitter. Criteria: Ambry Variant Classification Scheme 2023. Collection method: clinical testing. Allele origin: germline.
Comment: The c.3902dupC pathogenic mutation, located in coding exon 23 of the ABCA3 gene, results from a duplication of C at nucleotide position 3902, causing a translational frameshift with a predicted alternate stop codon (p.V1303Gfs*55). This alteration is expected to result in loss of function by premature protein truncation or nonsense-mediated mRNA decay. As such, this alteration is interpreted as a disease-causing mutation.

Literature cited by the submitters: PubMed 27516224 (cited by Labcorp Genetics (formerly Invitae), Labcorp).